The following is an entry in ClinVar:

NM_001394998.1(TANC2):c.2330G>A (p.Arg777Gln)

Gene: TANC2 (tetratricopeptide repeat, ankyrin repeat and coiled-coil containing 2; plus strand). Cytogenetic location: 17q23.3.
Variant type: single nucleotide variant.
Coding change: c.2330G>A on transcript NM_001394998.1 (MANE Select); coding-DNA position 2330, G replaced by A.
Protein change: p.Arg777Gln; replaces arginine 777 with glutamine.
Molecular consequence: missense variant.
Genome position (GRCh38, 1-based): chr17:63,355,138, G>A. VCF-style: chr17-63355138-G-A. GRCh37 (hg19) VCF-style: chr17-61432499-G-A.
Other names: c.2108G>A, p.Arg703Gln (NM_001411076.1, NM_025185.4); short protein forms R703Q, R777Q.
Identifiers: ClinVar variation 1800505 (VCV001800505.1), dbSNP rs2046743300, ClinGen allele CA400524482.

ClinVar aggregate classification (germline): Uncertain significance (1 of 4 stars; one submission).

Allele frequency attached by ClinVar (database versions not stated): TOPMed below 0.00001.
gnomAD v4.1: 6 of 1,613,836 alleles (0.00037%); highest among the groups gnomAD compares: South Asian, 0.0011%; no homozygotes.

Submission:

GeneDx
Classification: Uncertain significance. Last evaluated: 2022-05-19. Review status: criteria provided, single submitter. Criteria: GeneDx Variant Classification Process June 2021. Collection method: clinical testing. Allele origin: germline. Affected: yes.
Comment: Not observed at significant frequency in large population cohorts (gnomAD); In silico analysis supports that this missense variant has a deleterious effect on protein structure/function; Has not been previously published as pathogenic or benign to our knowledge